The following is an entry in ClinVar:

NM_177438.3(DICER1):c.1829T>G (p.Val610Gly)

Gene: DICER1 (dicer 1, ribonuclease III; minus strand). Cytogenetic location: 14q32.13.
Variant type: single nucleotide variant.
Coding change: c.1829T>G on transcript NM_177438.3 (MANE Select); coding-DNA position 1829, T replaced by G.
Protein change: p.Val610Gly; replaces valine 610 with glycine.
Molecular consequence: missense variant. On other transcripts: non-coding transcript variant (6).
Genome position (GRCh38, 1-based): chr14:95,115,745, A>C on the plus strand (T>G on the coding strand, the complement: DICER1 is on the minus strand). VCF-style: chr14-95115745-A-C. GRCh37 (hg19) VCF-style: chr14-95582082-A-C.
Other names: c.1829T>G, p.Val610Gly (NM_001195573.1, NM_001271282.3, NM_001291628.2 and 13 more transcripts); c.1547T>G, p.Val516Gly (NM_001395686.1); c.1424T>G, p.Val475Gly (NM_001395687.1, NM_001395688.1, NM_001395689.1 and 3 more transcripts); c.1262T>G, p.Val421Gly (NM_001395691.1); c.146T>G, p.Val49Gly (NM_001395697.1); short protein forms V421G, V49G, V516G, V610G, V475G.
Identifiers: ClinVar variation 1902293 (VCV001902293.5), dbSNP rs2543004060, ClinGen allele CA390884037.

ClinVar aggregate classification (germline): Uncertain significance (1 of 4 stars; one submission).

Conditions:
DICER1-related tumor predisposition. Also called: DICER1-related pleuropulmonary blastoma cancer predisposition syndrome; DICER1 syndrome. Identifiers: Orphanet 284343, MedGen C3839822, MONDO:0100216.

Submission:

Labcorp Genetics (formerly Invitae), Labcorp
Classification: Uncertain significance for DICER1-related tumor predisposition. Last evaluated: 2024-04-16. Review status: criteria provided, single submitter. Criteria: Invitae Variant Classification Sherloc (09022015). Collection method: clinical testing. Allele origin: germline.
Comment: This sequence change replaces valine, which is neutral and non-polar, with glycine, which is neutral and non-polar, at codon 610 of the DICER1 protein (p.Val610Gly). This variant is not present in population databases (gnomAD no frequency). This variant has not been reported in the literature in individuals affected with DICER1-related conditions. ClinVar contains an entry for this variant (Variation ID: 1902293). Advanced modeling of protein sequence and biophysical properties (such as structural, functional, and spatial information, amino acid conservation, physicochemical variation, residue mobility, and thermodynamic stability) performed at Invitae indicates that this missense variant is not expected to disrupt DICER1 protein function with a negative predictive value of 80%. In summary, the available evidence is currently insufficient to determine the role of this variant in disease. Therefore, it has been classified as a Variant of Uncertain Significance.